The following is an entry in ClinVar:

NM_001127222.2(CACNA1A):c.4951-3C>T

Gene: CACNA1A (calcium voltage-gated channel subunit alpha1 A; minus strand). Cytogenetic location: 19p13.13.
Variant type: single nucleotide variant.
Coding change: c.4951-3C>T on transcript NM_001127222.2 (MANE Select); 3 bases into the intron before coding-DNA position 4951, C replaced by T.
Molecular consequence: intron variant.
Genome position (GRCh38, 1-based): chr19:13,235,733, G>A on the plus strand (C>T on the coding strand, the complement: CACNA1A is on the minus strand). VCF-style: chr19-13235733-G-A. GRCh37 (hg19) VCF-style: chr19-13346547-G-A.
Other names: c.4954-3C>T (NM_001127221.2); c.4960-3C>T (NM_001174080.2); c.4969-3C>T (NM_000068.4, NM_023035.3).
Identifiers: ClinVar variation 3750539 (VCV003750539.2).

ClinVar aggregate classification (germline): Uncertain significance (1 of 4 stars; one submission).

Conditions:
Episodic ataxia type 2 (EA2). Also called: ACETAZOLAMIDE-RESPONSIVE HEREDITARY PAROXYSMAL CEREBELLAR ATAXIA; ATAXIA, EPISODIC, WITH NYSTAGMUS; ATAXIA, FAMILIAL PAROXYSMAL; CEREBELLAR ATAXIA, PAROXYSMAL, ACETAZOLAMIDE-RESPONSIVE; CEREBELLOPATHY, HEREDITARY PAROXYSMAL; EPISODIC ATAXIA, NYSTAGMUS-ASSOCIATED. Identifiers: Orphanet 97, MedGen C1720416, MONDO:0007163, OMIM 108500.
Developmental and epileptic encephalopathy, 42 (DEE42A). Also called: Epileptic encephalopathy, early infantile, 42; DEVELOPMENTAL AND EPILEPTIC ENCEPHALOPATHY 42A; EPILEPTIC ENCEPHALOPATHY, EARLY INFANTILE, 42A. Identifiers: MedGen C4310716, MONDO:0014917, OMIM 617106.

gnomAD v4.1: 5 of 1,608,964 alleles (0.00031%); highest among the groups gnomAD compares: Non-Finnish European, 0.00043%; no homozygotes.

Submission:

Labcorp Genetics (formerly Invitae), Labcorp
Classification: Uncertain significance for Developmental and epileptic encephalopathy, 42; Episodic ataxia type 2. Last evaluated: 2024-11-05. Review status: criteria provided, single submitter. Criteria: Invitae Variant Classification Sherloc (09022015). Collection method: clinical testing. Allele origin: germline.
Comment: This sequence change falls in intron 31 of the CACNA1A gene. It does not directly change the encoded amino acid sequence of the CACNA1A protein. It affects a nucleotide within the consensus splice site. This variant is not present in population databases (gnomAD no frequency). This variant has not been reported in the literature in individuals affected with CACNA1A-related conditions. Variants that disrupt the consensus splice site are a relatively common cause of aberrant splicing (PMID: 17576681, 9536098). Algorithms developed to predict the effect of sequence changes on RNA splicing suggest that this variant is not likely to affect RNA splicing. In summary, the available evidence is currently insufficient to determine the role of this variant in disease. Therefore, it has been classified as a Variant of Uncertain Significance.

Literature cited by the submitters: PubMed 17576681; PubMed 9536098.